The following is an entry in ClinVar:

NM_000317.3(PTS):c.315-1G>A

Gene: PTS (6-pyruvoyltetrahydropterin synthase; plus strand). Cytogenetic location: 11q23.1.
Variant type: single nucleotide variant.
Coding change: c.315-1G>A on transcript NM_000317.3 (MANE Select); the canonical splice acceptor site of the intron before coding-DNA position 315, G replaced by A.
Molecular consequence: splice acceptor variant.
Genome position (GRCh38, 1-based): chr11:112,233,431, G>A. VCF-style: chr11-112233431-G-A. GRCh37 (hg19) VCF-style: chr11-112104154-G-A.
Other names: c.315-1G>A (NM_000317.2).
Identifiers: ClinVar variation 2415103 (VCV002415103.7), dbSNP rs776543880, ClinGen allele CA6278583.

ClinVar aggregate classification (germline): Pathogenic/Likely pathogenic. Review status: criteria provided, multiple submitters, no conflicts (2 of 4 stars). 3 submissions from 3 submitters: Pathogenic (1); Likely pathogenic (2). Last evaluated 2024-05-28.

Conditions:
6-Pyruvoyl-tetrahydrobiopterin synthase deficiency. Also called: PTS DEFICIENCY; 6-Pyruvoyltetrahydropterin Synthase Deficiency; Hyperphenylalanemia, BH4-deficient, A; Hyperphenylalaninemia due to 6-pyruvoyl-tetrahydropterin synthase deficiency; HYPERPHENYLALANINEMIA, TETRAHYDROBIOPTERIN-DEFICIENT, DUE TO PTS DEFICIENCY; BH4-deficient hyperphenylalaninemia A. Identifiers: Orphanet 13, Orphanet 238583, MedGen C0878676, MONDO:0009863, OMIM 261640.
PTS-related disorder. Also called: PTS-related condition.

Allele frequency attached by ClinVar (database versions not stated): ExAC 0.00001.

Submissions (3):

Natera, Inc.
Classification: Likely pathogenic for 6-Pyruvoyl-tetrahydrobiopterin synthase deficiency. Last evaluated: 2024-05-28. Review status: criteria provided, single submitter. Criteria: Natera Variant Classification Schema (03/2026). Collection method: clinical testing. Allele origin: germline.
Comment: The c.315-1G>A variant in PTS is a canonical splice acceptor site variant predicted to affect pre-mRNA splicing, which may result in an abnormal transcript and altered protein product. This variant may result in a truncated or dysfunctional protein product. This variant is rare in the general population with a frequency below the threshold expected for the associated phenotype(s). This variant has been observed in one or more individuals affected with the associated recessive disease, as either homozygous or compound heterozygous with a second variant (PMID: 33822819). Given the available evidence, this variant is classified as Likely Pathogenic.

Blueprint Genetics
Classification: Likely pathogenic for PTS-related disorders. Last evaluated: 2024-02-29. Review status: criteria provided, single submitter. Criteria: ACMG Guidelines, 2015. Collection method: clinical testing. Allele origin: germline. Affected: yes. Observed: 4 variant alleles.

Labcorp Genetics (formerly Invitae), Labcorp
Classification: Pathogenic for 6-Pyruvoyl-tetrahydrobiopterin synthase deficiency. Last evaluated: 2024-02-22. Review status: criteria provided, single submitter. Criteria: Invitae Variant Classification Sherloc (09022015). Collection method: clinical testing. Allele origin: germline.
Comment: This sequence change affects an acceptor splice site in intron 5 of the PTS gene. While this variant is not anticipated to result in nonsense mediated decay, it likely alters RNA splicing and results in a disrupted protein product. This variant is present in population databases (rs776543880, gnomAD 0.003%). Disruption of this splice site has been observed in individual(s) with biopterin deficient hyperphenylalanemia (PMID: 28057123, 33234470, 33822819). In at least one individual the data is consistent with being in trans (on the opposite chromosome) from a pathogenic variant. ClinVar contains an entry for this variant (Variation ID: 2415103). Variants that disrupt the consensus splice site are a relatively common cause of aberrant splicing (PMID: 17576681, 9536098). Algorithms developed to predict the effect of sequence changes on RNA splicing suggest that this variant may disrupt the consensus splice site. For these reasons, this variant has been classified as Pathogenic.

Literature cited by the submitters: PubMed 33822819 (cited by Natera, Inc. and Labcorp Genetics (formerly Invitae), Labcorp); PubMed 28057123 (cited by Labcorp Genetics (formerly Invitae), Labcorp); PubMed 33234470 (cited by Labcorp Genetics (formerly Invitae), Labcorp); PubMed 17576681 (cited by Labcorp Genetics (formerly Invitae), Labcorp); PubMed 9536098 (cited by Labcorp Genetics (formerly Invitae), Labcorp).